The following is an entry in ClinVar:

ClinVar aggregate classification (germline): Uncertain significance (1 of 4 stars; one submission).

Conditions:
Roussy-Lévy syndrome. Also called: Roussy-Levy Syndrome; Roussy Levy hereditary areflexic dystasia; Roussy-Levy disease; Hereditary areflexic dystasia. Identifiers: Orphanet 3115, MedGen C0205713, MONDO:0008392, OMIM 180800.
Neuropathy, congenital hypomyelinating, 2. Identifiers: MedGen C4722277, MONDO:0020765, OMIM 618184.
Dejerine-Sottas disease. Also called: Charcot-Marie-Tooth disease type 3; HMSN Type III; HEREDITARY MOTOR AND SENSORY NEUROPATHY TYPE III; DEJERINE-SOTTAS NEUROPATHY; Hereditary motor and sensory neuropathy 3. Identifiers: Orphanet 64748, MedGen C0011195, MONDO:0007790, OMIM 145900.

Submission:

Diagnostics Services (NGS), CSIR - Centre For Cellular And Molecular Biology
Classification: Uncertain significance for Neuropathy, congenital hypomyelinating, 2; Roussy-Lévy syndrome; Dejerine-Sottas disease. Last evaluated: 2023-12-11. Review status: criteria provided, single submitter. Criteria: ACMG Guidelines, 2015. Collection method: clinical testing. Allele origin: unknown. Affected: yes. Observed: 1 variant allele, 1 heterozygote.
Comment: The c.265_270del variant is not present in publicly available population databases like 1000 Genomes, EVS, ExAC, gnomAD, Indian Exome Database or our in-house exome database. This variant has neither been reported in the literature in individuals affected with MPZ-related conditions nor reported to the clinical databases like Human Genome Mutation Database (HGMD), ClinVar or OMIM, in any affected individuals. In-silico pathogenicity prediction programs like MutationTaster2, CADD, Varsome etc predicted this variant to be likely deleterious. This variant is located in a mutational hotspot and non-repeat region of the gene that causes in-frame deletion of 2 amino acids that results in change of protein coding length.

NM_000530.8(MPZ):c.265_270del (p.Ile89_Asp90del)

Gene: MPZ (myelin protein zero; minus strand). Cytogenetic location: 1q23.3.
Variant type: Deletion.
Coding change: c.265_270del on transcript NM_000530.8 (MANE Select); coding-DNA positions 265 to 270, 6 bases deleted (ATTGAC; older notation c.265_270delATTGAC).
Protein change: p.Ile89_Asp90del.
Genome position (GRCh38, 1-based): chr1:161,306,886-161,306,891, GTCAAT deleted on the plus strand (ATTGAC on the coding strand, the reverse complement: MPZ is on the minus strand); deleting any 6 consecutive bases within chr1:161,306,886-161,306,893 gives the same sequence; the c. name uses the placement nearest the transcript's 3' end. VCF-style (leftmost placement, unchanged base first): chr1-161306885-CGTCAAT-C. GRCh37 (hg19) VCF-style: chr1-161276675-CGTCAAT-C.
Other names: c.265_270del, p.Ile89_Asp90del (NM_001315491.2).
Identifiers: ClinVar variation 2671834 (VCV002671834.1), dbSNP rs2526238944, ClinGen allele CA2695199902.